The following is an entry in ClinVar:

NM_001376013.1(EPB41):c.547G>C (p.Glu183Gln)

Gene: EPB41 (erythrocyte membrane protein band 4.1; plus strand). Cytogenetic location: 1p35.3.
Variant type: single nucleotide variant.
Coding change: c.547G>C on transcript NM_001376013.1 (MANE Select); coding-DNA position 547, G replaced by C.
Protein change: p.Glu183Gln; replaces glutamic acid 183 with glutamine.
Molecular consequence: missense variant. On other transcripts: 5 prime UTR variant (10).
Genome position (GRCh38, 1-based): chr1:28,993,408, G>C. VCF-style: chr1-28993408-G-C. GRCh37 (hg19) VCF-style: chr1-29319920-G-C.
Other names: p.Glu183Gln; c.547G>C (NM_001166005.1); c.547G>C, p.Glu183Gln (NM_001166005.2, NM_001166006.2, NM_001376014.1 and 8 more transcripts); c.-81G>C (NM_001166007.2, NM_001376022.1, NM_001376023.1 and 7 more transcripts); short protein forms E183Q.
Identifiers: ClinVar variation 1302260 (VCV001302260.3), dbSNP rs2149612264, ClinGen allele CA339524378.

ClinVar aggregate classification (germline): Uncertain significance. Review status: criteria provided, multiple submitters, no conflicts (2 of 4 stars). 2 submissions from 2 submitters: Uncertain significance (2). Last evaluated 2022-09-26.

gnomAD v4.1: 2 of 1,613,908 alleles (0.00012%); highest among the groups gnomAD compares: Admixed American, 0.0017%; no homozygotes.

Submissions (2):

Mayo Clinic Laboratories, Mayo Clinic
Classification: Uncertain significance. Last evaluated: 2022-09-26. Review status: criteria provided, single submitter. Criteria: ACMG Guidelines, 2015. Collection method: clinical testing. Allele origin: germline. Observed: 1 variant allele.
Comment: PM2

GeneDx
Classification: Uncertain significance. Last evaluated: 2019-04-08. Review status: criteria provided, single submitter. Criteria: GeneDx Variant Classification Process June 2021. Collection method: clinical testing. Allele origin: germline. Affected: yes.
Comment: Not observed in large population cohorts (Lek et al., 2016); Has not been previously published as pathogenic or benign to our knowledge; In silico analysis, which includes splice predictors and evolutionary conservation, suggests this variant may impact gene splicing. In the absence of RNA/functional studies, the actual effect of this sequence change is unknown